The following is an entry in ClinVar:

ClinVar aggregate classification (germline): Uncertain significance (1 of 4 stars; one submission).

Conditions:
Polycystic kidney disease, adult type (PKD1). Also called: POLYCYSTIC KIDNEY DISEASE 1 WITH OR WITHOUT POLYCYSTIC LIVER DISEASE; POLYCYSTIC KIDNEY DISEASE, ADULT, TYPE I; Polycystic Kidney Disease 1, Autosomal Dominant; Polycystic kidney disease 1; Polycystic kidney disease 1, severe; Polycystic Kidney, Autosomal Dominant. Identifiers: MedGen C3149841, MONDO:0008263, OMIM 173900.

Submission:

Baylor Genetics
Classification: Uncertain significance for Polycystic kidney disease, adult type. Last evaluated: 2020-12-03. Review status: criteria provided, single submitter. Criteria: ACMG Guidelines, 2015. Collection method: clinical testing. Allele origin: unknown. Affected: yes.
Comment: This variant was determined to be of uncertain significance according to ACMG Guidelines, 2015 [PMID:25741868].

NM_001009944.3(PKD1):c.7863+5G>C

Gene: PKD1 (polycystin 1, transient receptor potential channel interacting; minus strand). Cytogenetic location: 16p13.3.
Variant type: single nucleotide variant.
Coding change: c.7863+5G>C on transcript NM_001009944.3 (MANE Select); 5 bases into the intron after coding-DNA position 7863, G replaced by C.
Molecular consequence: intron variant.
Genome position (GRCh38, 1-based): chr16:2,105,860, C>G on the plus strand (G>C on the coding strand, the complement: PKD1 is on the minus strand). VCF-style: chr16-2105860-C-G. GRCh37 (hg19) VCF-style: chr16-2155861-C-G.
Other names: c.7863+5G>C (NM_000296.4).
Identifiers: ClinVar variation 1030957 (VCV001030957.1), dbSNP rs2092319525, ClinGen allele CA2202032036.